The following is an entry in ClinVar:

ClinVar aggregate classification (germline): Uncertain significance (1 of 4 stars; one submission).

Allele frequency attached by ClinVar (database versions not stated): gnomAD 0.00001; TOPMed 0.00001.
gnomAD v4.1: 4 of 1,614,010 alleles (0.00025%); highest among the groups gnomAD compares: Non-Finnish European, 0.00034%; no homozygotes.

Submission:

Ambry Genetics
Classification: Uncertain significance. Last evaluated: 2024-01-23. Review status: criteria provided, single submitter. Criteria: Ambry Variant Classification Scheme 2023. Collection method: clinical testing. Allele origin: germline.
Comment: The p.S692L variant (also known as c.2075C>T), located in coding exon 4 of the ALPK2 gene, results from a C to T substitution at nucleotide position 2075. The serine at codon 692 is replaced by leucine, an amino acid with dissimilar properties. This amino acid position is conserved. In addition, this alteration is predicted to be tolerated by in silico analysis. Since supporting evidence is limited at this time, the clinical significance of this alteration remains unclear.

NM_052947.4(ALPK2):c.2075C>T (p.Ser692Leu)

Gene: ALPK2 (alpha kinase 2; minus strand). Cytogenetic location: 18q21.31.
Variant type: single nucleotide variant.
Coding change: c.2075C>T on transcript NM_052947.4 (MANE Select); coding-DNA position 2075, C replaced by T.
Protein change: p.Ser692Leu; replaces serine 692 with leucine.
Molecular consequence: missense variant.
Genome position (GRCh38, 1-based): chr18:58,538,112, G>A on the plus strand (C>T on the coding strand, the complement: ALPK2 is on the minus strand). VCF-style: chr18-58538112-G-A. GRCh37 (hg19) VCF-style: chr18-56205344-G-A.
Other names: short protein forms S692L.
Identifiers: ClinVar variation 1785453 (VCV001785453.2), dbSNP rs967273903, ClinGen allele CA300927781.
Genomic context (GRCh38, chr18:58,538,112, plus strand): 5'-GGTTTGACCTCCGAGTGTTGAGCTAATGATGCATTTTCCTTGTGGACCCCTCCTAAGTTT[G>A]AGAAGGAAATTGTTGTGGTCCCAGTGAATGGGGACTCCTCCCCAGCAGGCTCTGAGAAAG-3'
Protein context (NP_443179.3, residues 682-702): PFTGTTTISF[Ser692Leu]NLGGVHKENA